The following is an entry in ClinVar:

ClinVar aggregate classification (germline): Uncertain significance (1 of 4 stars; one submission).

Conditions:
Catecholaminergic polymorphic ventricular tachycardia 1. Also called: VENTRICULAR TACHYCARDIA, CATECHOLAMINERGIC POLYMORPHIC, 1, WITH OR WITHOUT ATRIAL DYSFUNCTION AND/OR DILATED CARDIOMYOPATHY; VENTRICULAR TACHYCARDIA, STRESS-INDUCED POLYMORPHIC 1; RYR2-Related Catecholaminergic Polymorphic Ventricular Tachycardia. Identifiers: Orphanet 3286, MedGen C1631597, MONDO:0011484, OMIM 604772.

Allele frequency attached by ClinVar (database versions not stated): gnomAD exomes below 0.00001; TOPMed below 0.00001.
gnomAD v4.1: 5 of 1,612,012 alleles (0.00031%); highest among the groups gnomAD compares: Non-Finnish European, 0.00042%; no homozygotes.

Submission:

Labcorp Genetics (formerly Invitae), Labcorp
Classification: Uncertain significance for Catecholaminergic polymorphic ventricular tachycardia 1. Last evaluated: 2021-09-01. Review status: criteria provided, single submitter. Criteria: Invitae Variant Classification Sherloc (09022015). Collection method: clinical testing. Allele origin: germline.
Comment: This sequence change replaces alanine with valine at codon 81 of the CASQ2 protein (p.Ala81Val). The alanine residue is highly conserved and there is a small physicochemical difference between alanine and valine. This variant is not present in population databases (ExAC no frequency). This variant has not been reported in the literature in individuals affected with CASQ2-related conditions. Algorithms developed to predict the effect of missense changes on protein structure and function are either unavailable or do not agree on the potential impact of this missense change (SIFT: "Deleterious"; PolyPhen-2: "Probably Damaging"; Align-GVGD: "Class C0"). In summary, the available evidence is currently insufficient to determine the role of this variant in disease. Therefore, it has been classified as a Variant of Uncertain Significance.

NM_001232.4(CASQ2):c.242C>T (p.Ala81Val)

Gene: CASQ2 (calsequestrin 2; minus strand). Cytogenetic location: 1p13.1.
Variant type: single nucleotide variant.
Coding change: c.242C>T on transcript NM_001232.4 (MANE Select); coding-DNA position 242, C replaced by T.
Protein change: p.Ala81Val; replaces alanine 81 with valine.
Molecular consequence: missense variant.
Genome position (GRCh38, 1-based): chr1:115,744,905, G>A on the plus strand (C>T on the coding strand, the complement: CASQ2 is on the minus strand). VCF-style: chr1-115744905-G-A. GRCh37 (hg19) VCF-style: chr1-116287526-G-A.
Other names: short protein forms A81V.
Identifiers: ClinVar variation 1045171 (VCV001045171.45), dbSNP rs1648331024, ClinGen allele CA341765539.